The following is an entry in ClinVar:

ClinVar aggregate classification (germline): Likely benign. Review status: criteria provided, multiple submitters, no conflicts (2 of 4 stars). 2 submissions from 2 submitters: Likely benign (2). Last evaluated 2026-09-01.

Conditions:
Congenital neutropenia-myelofibrosis-nephromegaly syndrome. Also called: Severe congenital neutropenia 5, autosomal recessive. Identifiers: Orphanet 369852, MedGen C3809031, MONDO:0014118, OMIM 615285.

Allele frequency attached by ClinVar (database versions not stated): TOPMed below 0.00001; gnomAD 0.00001.

Submissions (2):

CeGaT Center for Human Genetics Tuebingen
Classification: Likely benign. Last evaluated: 2026-09-01. Review status: criteria provided, single submitter. Criteria: CeGaT Center For Human Genetics Tuebingen Variant Classification Criteria Version 2. Collection method: clinical testing. Allele origin: germline. Affected: yes. Observed: 1 variant allele.
Comment: VPS45: BP4, BP7

Labcorp Genetics (formerly Invitae), Labcorp
Classification: Likely benign for Congenital neutropenia-myelofibrosis-nephromegaly syndrome. Last evaluated: 2023-05-16. Review status: criteria provided, single submitter. Criteria: Invitae Variant Classification Sherloc (09022015). Collection method: clinical testing. Allele origin: germline.

NM_007259.5(VPS45):c.1419C>G (p.Thr473=)

Gene: VPS45 (vacuolar protein sorting 45 homolog; plus strand). Cytogenetic location: 1q21.2.
Variant type: single nucleotide variant.
Coding change: c.1419C>G on transcript NM_007259.5 (MANE Select); coding-DNA position 1419, C replaced by G.
Protein change: p.Thr473=; no amino-acid change (threonine 473 retained).
Molecular consequence: synonymous variant. On other transcripts: non-coding transcript variant (1).
Genome position (GRCh38, 1-based): chr1:150,093,574, C>G. VCF-style: chr1-150093574-C-G. GRCh37 (hg19) VCF-style: chr1-150065670-C-G.
Other names: c.1104C>G, p.Thr368= (NM_001279353.2); c.1311C>G, p.Thr437= (NM_001279354.2).
Identifiers: ClinVar variation 2125841 (VCV002125841.5), dbSNP rs1373260082, ClinGen allele CA420669061.